The following is an entry in ClinVar:

ClinVar aggregate classification (germline): Uncertain significance (1 of 4 stars; one submission).

Conditions:
Fanconi anemia (FA). Also called: Fanconi's anemia. Identifiers: Orphanet 84, MedGen C0015625, MeSH D005199, MONDO:0019391.

Submission:

Labcorp Genetics (formerly Invitae), Labcorp
Classification: Uncertain significance for Fanconi anemia. Last evaluated: 2025-03-03. Review status: criteria provided, single submitter. Criteria: Invitae Variant Classification Sherloc (09022015). Collection method: clinical testing. Allele origin: germline.
Comment: This sequence change affects codon 167 of the FANCI mRNA. It is a 'silent' change, meaning that it does not change the encoded amino acid sequence of the FANCI protein. This variant is not present in population databases (gnomAD no frequency). This variant has not been reported in the literature in individuals affected with FANCI-related conditions. ClinVar contains an entry for this variant (Variation ID: 1363948). Algorithms developed to predict the effect of sequence changes on RNA splicing suggest that this variant may disrupt the consensus splice site. In summary, the available evidence is currently insufficient to determine the role of this variant in disease. Therefore, it has been classified as a Variant of Uncertain Significance.

NM_001113378.2(FANCI):c.501C>T (p.Gly167=)

Gene: FANCI (FA complementation group I; plus strand). Cytogenetic location: 15q26.1.
Variant type: single nucleotide variant.
Coding change: c.501C>T on transcript NM_001113378.2 (MANE Select); coding-DNA position 501, C replaced by T.
Protein change: p.Gly167=; no amino-acid change (glycine 167 retained).
Molecular consequence: synonymous variant.
Genome position (GRCh38, 1-based): chr15:89,261,876, C>T. VCF-style: chr15-89261876-C-T. GRCh37 (hg19) VCF-style: chr15-89805107-C-T.
Other names: c.222C>T, p.Gly74= (NM_001376910.1); c.501C>T, p.Gly167= (NM_001376911.1, NM_018193.3).
Identifiers: ClinVar variation 1363948 (VCV001363948.6), dbSNP rs2151271104, ClinGen allele CA492064906.